The following is an entry in ClinVar:

NM_000390.4(CHM):c.1153dup (p.Gln385fs)

Gene: CHM (CHM Rab escort protein; minus strand). Cytogenetic location: Xq21.2.
Variant type: Duplication.
Coding change: c.1153dup on transcript NM_000390.4 (MANE Select); coding-DNA position 1153, one base duplicated (C; older notation c.1153dupC).
Protein change: p.Gln385fs; shifts the reading frame from glutamine 385.
Molecular consequence: frameshift variant.
Genome position (GRCh38, 1-based): chrX:85,956,166, G duplicated on the plus strand (C on the coding strand, the reverse complement: CHM is on the minus strand); the first of 5 consecutive G bases (chrX:85,956,166-85,956,170); duplicating any one gives the same sequence. VCF-style (leftmost placement, unchanged base first): chrX-85956165-T-TG. GRCh37 (hg19) VCF-style: chrX-85211170-T-TG.
Other names: c.709dup, p.Gln237fs (NM_001320959.1, NM_001362517.1, NM_001362518.2 and 1 more transcripts); short protein forms Q237fs, Q385fs.
Identifiers: ClinVar variation 1458854 (VCV001458854.7), dbSNP rs2147662931, ClinGen allele CA2573159642.

ClinVar aggregate classification (germline): Pathogenic. Review status: criteria provided, multiple submitters, no conflicts (2 of 4 stars). 2 submissions from 2 submitters: Pathogenic (2). Last evaluated 2026-09-16.

Conditions:
Retinal disorder. Also called: Retinopathy; Retinopathies; Retinal Diseases; Retinal disorders. Identifiers: MedGen C0035309, MONDO:0005283, HP:0000488.

Submissions (2):

Genetics Laboratory, Great Ormond Street Hospital NHS Foundation Trust, North Thames Genomic Laboratory Hub
Classification: Pathogenic for Retinal disorders. Last evaluated: 2026-09-16. Review status: criteria provided, single submitter. Criteria: ACGS Best Practice Guidelines for Variant Classification in Rare Disease 2024 v1.2. Collection method: clinical testing. Allele origin: germline. Affected: yes.
Comment: PM2_moderate, PVS1_very-strong

Labcorp Genetics (formerly Invitae), Labcorp
Classification: Pathogenic. Last evaluated: 2022-10-25. Review status: criteria provided, single submitter. Criteria: Invitae Variant Classification Sherloc (09022015). Collection method: clinical testing. Allele origin: germline.
Comment: For these reasons, this variant has been classified as Pathogenic. ClinVar contains an entry for this variant (Variation ID: 1458854). This premature translational stop signal has been observed in individual(s) with CHM-related conditions (PMID: 29555028). This variant is not present in population databases (gnomAD no frequency). This sequence change creates a premature translational stop signal (p.Gln385Profs*33) in the CHM gene. It is expected to result in an absent or disrupted protein product. Loss-of-function variants in CHM are known to be pathogenic (PMID: 9067750, 23811034).

Literature cited by the submitters: PubMed 29555028 (cited by Labcorp Genetics (formerly Invitae), Labcorp); PubMed 9067750 (cited by Labcorp Genetics (formerly Invitae), Labcorp); PubMed 23811034 (cited by Labcorp Genetics (formerly Invitae), Labcorp).